The following is an entry in ClinVar:

ClinVar aggregate classification (germline): Uncertain significance (1 of 4 stars; one submission).

gnomAD v4.1: 1 of 1,612,144 alleles (0.000062%); highest among the groups gnomAD compares: Admixed American, 0.0017%; no homozygotes.

Submission:

Labcorp Genetics (formerly Invitae), Labcorp
Classification: Uncertain significance. Last evaluated: 2023-06-30. Review status: criteria provided, single submitter. Criteria: Invitae Variant Classification Sherloc (09022015). Collection method: clinical testing. Allele origin: germline.
Comment: This variant is not present in population databases (gnomAD no frequency). This sequence change replaces phenylalanine, which is neutral and non-polar, with leucine, which is neutral and non-polar, at codon 1707 of the NBAS protein (p.Phe1707Leu). In summary, the available evidence is currently insufficient to determine the role of this variant in disease. Therefore, it has been classified as a Variant of Uncertain Significance. Advanced modeling of protein sequence and biophysical properties (such as structural, functional, and spatial information, amino acid conservation, physicochemical variation, residue mobility, and thermodynamic stability) performed at Invitae indicates that this missense variant is not expected to disrupt NBAS protein function. ClinVar contains an entry for this variant (Variation ID: 1472257). This variant has not been reported in the literature in individuals affected with NBAS-related conditions.

NM_015909.4(NBAS):c.5121C>A (p.Phe1707Leu)

Gene: NBAS (NBAS subunit of NRZ tethering complex; minus strand). Cytogenetic location: 2p24.3.
Variant type: single nucleotide variant.
Coding change: c.5121C>A on transcript NM_015909.4 (MANE Select); coding-DNA position 5121, C replaced by A.
Protein change: p.Phe1707Leu; replaces phenylalanine 1707 with leucine.
Molecular consequence: missense variant. On other transcripts: non-coding transcript variant (1).
Genome position (GRCh38, 1-based): chr2:15,287,090, G>T on the plus strand (C>A on the coding strand, the complement: NBAS is on the minus strand). VCF-style: chr2-15287090-G-T. GRCh37 (hg19) VCF-style: chr2-15427214-G-T.
Other names: short protein forms F1707L.
Identifiers: ClinVar variation 1472257 (VCV001472257.6), dbSNP rs867443292, ClinGen allele CA345886694.